The following is an entry in ClinVar:

NM_014639.4(SKIC3):c.437_438delinsTC (p.Arg146Leu)

Gene: SKIC3 (SKI3 subunit of superkiller complex; minus strand). Cytogenetic location: 5q15.
Variant type: Indel.
Coding change: c.437_438delinsTC on transcript NM_014639.4 (MANE Select); coding-DNA positions 437 to 438, GG replaced by TC.
Protein change: p.Arg146Leu; replaces arginine 146 with leucine.
Molecular consequence: missense variant.
Genome position (GRCh38, 1-based): chr5:95,540,795-95,540,796, CC replaced by GA on the plus strand (GG replaced by TC on the coding strand, the reverse complement: SKIC3 is on the minus strand). VCF-style: chr5-95540795-CC-GA. GRCh37 (hg19) VCF-style: chr5-94876499-CC-GA.
Other names: short protein forms R146L.
Identifiers: ClinVar variation 1447626 (VCV001447626.5), dbSNP rs2112370917, ClinGen allele CA2573140057.

ClinVar aggregate classification (germline): Uncertain significance (1 of 4 stars; one submission).

Submission:

Labcorp Genetics (formerly Invitae), Labcorp
Classification: Uncertain significance. Last evaluated: 2021-08-14. Review status: criteria provided, single submitter. Criteria: Invitae Variant Classification Sherloc (09022015). Collection method: clinical testing. Allele origin: germline.
Comment: This sequence change replaces arginine with leucine at codon 146 of the TTC37 protein (p.Arg146Leu). The arginine residue is moderately conserved and there is a moderate physicochemical difference between arginine and leucine. The frequency data for this variant in the population databases is not available, as this variant may be reported as separate entries in the ExAC database. This variant has not been reported in the literature in individuals affected with TTC37-related conditions. Algorithms developed to predict the effect of missense changes on protein structure and function are either unavailable or do not agree on the potential impact of this missense change (SIFT: "Not Available"; PolyPhen-2: "Possibly Damaging"; Align-GVGD: "Not Available"). In summary, the available evidence is currently insufficient to determine the role of this variant in disease. Therefore, it has been classified as a Variant of Uncertain Significance.